The following is an entry in ClinVar:

NM_001257096.2(PAX1):c.911A>G (p.Gln304Arg)

Gene: PAX1 (paired box 1; plus strand). Cytogenetic location: 20p11.22.
Variant type: single nucleotide variant.
Coding change: c.911A>G on transcript NM_001257096.2 (MANE Select); coding-DNA position 911, A replaced by G.
Protein change: p.Gln304Arg; replaces glutamine 304 with arginine.
Molecular consequence: missense variant.
Genome position (GRCh38, 1-based): chr20:21,707,062, A>G. VCF-style: chr20-21707062-A-G. GRCh37 (hg19) VCF-style: chr20-21687700-A-G.
Other names: c.911A>G, p.Gln304Arg (NM_006192.5); short protein forms Q304R.
Identifiers: ClinVar variation 3716354 (VCV003716354.1).
Genomic context (GRCh38, chr20:21,707,062, plus strand): 5'-GCTCATGGCCCTCGGCACACTCGGTCAGCAACATCCTGGGCATCCGGACGTTTATGGAGC[A>G]AACAGGTCAGTTGTGGCGGCCTCCGTAGCCTTCTATTAAGGGGCAGAACCTGGGGCGGGC-3'
Protein context (NP_001244025.1, residues 294-314): NILGIRTFME[Gln304Arg]TGALAGSEGT

ClinVar aggregate classification (germline): Uncertain significance (1 of 4 stars; one submission).

gnomAD v4.1: 7 of 1,612,934 alleles (0.00043%); highest among the groups gnomAD compares: South Asian, 0.0033%; no homozygotes.

Submission:

Labcorp Genetics (formerly Invitae), Labcorp
Classification: Uncertain significance. Last evaluated: 2024-10-08. Review status: criteria provided, single submitter. Criteria: Invitae Variant Classification Sherloc (09022015). Collection method: clinical testing. Allele origin: germline.
Comment: This sequence change replaces glutamine, which is neutral and polar, with arginine, which is basic and polar, at codon 304 of the PAX1 protein (p.Gln304Arg). This variant is present in population databases (no rsID available, gnomAD 0.0009%). This variant has not been reported in the literature in individuals affected with PAX1-related conditions. Invitae Evidence Modeling of protein sequence and biophysical properties (such as structural, functional, and spatial information, amino acid conservation, physicochemical variation, residue mobility, and thermodynamic stability) indicates that this missense variant is not expected to disrupt PAX1 protein function with a negative predictive value of 80%. In summary, the available evidence is currently insufficient to determine the role of this variant in disease. Therefore, it has been classified as a Variant of Uncertain Significance.